The following is an entry in ClinVar:

ClinVar aggregate classification (germline): Uncertain significance (1 of 4 stars; one submission).

gnomAD v4.1: 6 of 1,563,922 alleles (0.00038%); highest among the groups gnomAD compares: African/African-American, 0.0027%; no homozygotes.

Submission:

Labcorp Genetics (formerly Invitae), Labcorp
Classification: Uncertain significance. Last evaluated: 2025-12-10. Review status: criteria provided, single submitter. Criteria: Invitae Variant Classification Sherloc (09022015). Collection method: clinical testing. Allele origin: germline.
Comment: This sequence change replaces threonine, which is neutral and polar, with isoleucine, which is neutral and non-polar, at codon 1067 of the CASZ1 protein (p.Thr1067Ile). This variant is not present in population databases (gnomAD no frequency). This variant has not been reported in the literature in individuals affected with CASZ1-related conditions. An algorithm developed to predict the effect of missense changes on protein structure and function (PolyPhen-2) suggests that this variant is likely to be tolerated. In summary, the available evidence is currently insufficient to determine the role of this variant in disease. Therefore, it has been classified as a Variant of Uncertain Significance.

NM_001079843.3(CASZ1):c.3200C>T (p.Thr1067Ile)

Gene: CASZ1 (castor zinc finger 1; minus strand). Cytogenetic location: 1p36.22.
Variant type: single nucleotide variant.
Coding change: c.3200C>T on transcript NM_001079843.3 (MANE Select); coding-DNA position 3200, C replaced by T.
Protein change: p.Thr1067Ile; replaces threonine 1067 with isoleucine.
Molecular consequence: missense variant.
Genome position (GRCh38, 1-based): chr1:10,648,098, G>A on the plus strand (C>T on the coding strand, the complement: CASZ1 is on the minus strand). VCF-style: chr1-10648098-G-A. GRCh37 (hg19) VCF-style: chr1-10708155-G-A.
Other names: c.3200C>T, p.Thr1067Ile (NM_017766.5); short protein forms T1067I.
Identifiers: ClinVar variation 4700165 (VCV004700165.1).